The following is an entry in ClinVar:

ClinVar aggregate classification (germline): Uncertain significance (1 of 4 stars; one submission).

Allele frequency attached by ClinVar (database versions not stated): TOPMed 0.00002.
gnomAD v4.1: 1 of 1,614,206 alleles (0.000062%); highest among the groups gnomAD compares: Non-Finnish European, 0.000085%; no homozygotes.

Submission:

Ambry Genetics
Classification: Uncertain significance. Last evaluated: 2024-02-01. Review status: criteria provided, single submitter. Criteria: Ambry Variant Classification Scheme 2023. Collection method: clinical testing. Allele origin: germline.
Comment: The p.D1309H variant (also known as c.3925G>C), located in coding exon 4 of the ALPK2 gene, results from a G to C substitution at nucleotide position 3925. The aspartic acid at codon 1309 is replaced by histidine, an amino acid with similar properties. This amino acid position is conserved. In addition, this alteration is predicted to be tolerated by in silico analysis. Since supporting evidence is limited at this time, the clinical significance of this alteration remains unclear.

NM_052947.4(ALPK2):c.3925G>C (p.Asp1309His)

Genes: ALPK2 (alpha kinase 2; minus strand), LOC126862764 (BRD4-independent group 4 enhancer GRCh37_chr18:56202574-56203773; plus strand). Cytogenetic location: 18q21.31.
Variant type: single nucleotide variant.
Coding change: c.3925G>C on transcript NM_052947.4 (MANE Select); coding-DNA position 3925, G replaced by C.
Protein change: p.Asp1309His; replaces aspartic acid 1309 with histidine.
Molecular consequence: missense variant.
Genome position (GRCh38, 1-based): chr18:58,536,262, C>G on the plus strand (G>C on the coding strand, the complement: ALPK2 is on the minus strand). VCF-style: chr18-58536262-C-G. GRCh37 (hg19) VCF-style: chr18-56203494-C-G.
Other names: short protein forms D1309H.
Identifiers: ClinVar variation 1736225 (VCV001736225.2), dbSNP rs966215600, ClinGen allele CA300926849.